The following is an entry in ClinVar:

ClinVar aggregate classification (germline): Uncertain significance (1 of 4 stars; one submission).

Submission:

Labcorp Genetics (formerly Invitae), Labcorp
Classification: Uncertain significance. Last evaluated: 2020-07-23. Review status: criteria provided, single submitter. Criteria: Invitae Variant Classification Sherloc (09022015). Collection method: clinical testing. Allele origin: germline.
Comment: This variant results in a copy number gain of the genomic region encompassing the full coding sequence of the GALNT12 gene. The boundaries of this event are unknown as they extend beyond the assayed region for this gene and therefore may encompass additional genes. As the precise location of this event is unknown, it may be in tandem or it may be located elsewhere in the genome. This variant has not been reported in the literature in individuals with GALNT12-related conditions. Experimental studies and prediction algorithms are not available or were not evaluated, and the functional significance of this variant is currently unknown. In summary, the available evidence is currently insufficient to determine the role of this variant in disease. Therefore, it has been classified as a Variant of Uncertain Significance.

NC_000009.11:g.(?_101569981)_(101611374_?)dup

Gene: GALNT12 (polypeptide N-acetylgalactosaminyltransferase 12; plus strand). Cytogenetic location: 9q22.33.
Variant type: Duplication.
Identifiers: ClinVar variation 1008305 (VCV001008305.1).